The following is an entry in ClinVar:

ClinVar aggregate classification (germline): Likely benign. Review status: criteria provided, single submitter (1 of 4 stars). 2 submissions from 2 submitters: Likely benign (1). 1 of the submissions does not count toward it. Last evaluated 2024-11-27.

Conditions:
KDM6B-related disorder. Also called: KDM6B-related condition.

Submissions (2):

Blueprint Genetics
Classification: Likely benign. Last evaluated: 2024-11-27. Review status: criteria provided, single submitter. Criteria: ACMG Guidelines, 2015. Collection method: clinical testing. Allele origin: germline.

PreventionGenetics, part of Exact Sciences
Classification: Benign for KDM6B-related condition. Last evaluated: 2019-08-09. Review status: no assertion criteria provided. Collection method: clinical testing. Allele origin: germline. Not counted in ClinVar's aggregate classification.
Comment: This variant is classified as benign based on ACMG/AMP sequence variant interpretation guidelines (Richards et al. 2015 PMID: 25741868, with internal and published modifications).

NM_001348716.2(KDM6B):c.2253CAC[12] (p.Thr762_Ala763insThr)

Gene: KDM6B (lysine demethylase 6B; plus strand). Cytogenetic location: 17p13.1.
Variant type: Microsatellite.
Coding change: c.2253CAC[12] on transcript NM_001348716.2 (MANE Select); 12 copies in a row of the 3-base unit CAC starting at c.2253; the reference has 11 copies in a row; one copy, 3 bases duplicated.
Protein change: p.Thr762_Ala763insThr.
Genome position (GRCh38, 1-based): chr17:7,848,571-7,848,573, CAC duplicated; duplicating any 3 consecutive bases within chr17:7,848,541-7,848,573 gives the same sequence; the position shown is the placement nearest the transcript's 3' end. VCF-style (leftmost placement, unchanged base first): chr17-7848540-T-TCAC. GRCh37 (hg19) VCF-style: chr17-7751858-T-TCAC.
Other names: c.2253CAC[12], p.Thr762_Ala763insThr (NM_001080424.2).
Identifiers: ClinVar variation 3037958 (VCV003037958.3), dbSNP rs59627144, ClinGen allele CA8360848.